The following is an entry in ClinVar:

NM_007294.4(BRCA1):c.3090C>A (p.Asn1030Lys)

Gene: BRCA1 (BRCA1 DNA repair associated; minus strand). Cytogenetic location: 17q21.31.
Variant type: single nucleotide variant.
Coding change: c.3090C>A on transcript NM_007294.4 (MANE Select); coding-DNA position 3090, C replaced by A.
Protein change: p.Asn1030Lys; replaces asparagine 1030 with lysine.
Molecular consequence: missense variant. On other transcripts: intron variant (137).
Genome position (GRCh38, 1-based): chr17:43,092,441, G>T on the plus strand (C>A on the coding strand, the complement: BRCA1 is on the minus strand). VCF-style: chr17-43092441-G-T. GRCh37 (hg19) VCF-style: chr17-41244458-G-T.
Other names: c.3087C>A, p.Asn1029Lys (NM_001407611.1, NM_001407612.1, NM_001407613.1 and 22 more transcripts); c.3090C>A, p.Asn1030Lys (NM_001407616.1, NM_001407617.1, NM_001407618.1 and 30 more transcripts); c.3081C>A, p.Asn1027Lys (NM_001407646.1, NM_001407647.1); c.2964C>A, p.Asn988Lys (NM_001407670.1, NM_001407671.1, NM_001407649.1 and 11 more transcripts); c.2967C>A, p.Asn989Lys (NM_001407648.1, NM_001407664.1, NM_001407665.1 and 19 more transcripts); c.3012C>A, p.Asn1004Lys (NM_001407655.1, NM_001407656.1, NM_001407657.1 and 4 more transcripts); c.3009C>A, p.Asn1003Lys (NM_001407659.1, NM_001407660.1, NM_001407661.1 and 1 more transcripts); c.2877C>A, p.Asn959Lys (NM_001407571.1, NM_001407853.1, NM_001407894.1 and 9 more transcripts); and 41 more; short protein forms N1003K, N1004K, N1027K, N1029K, N1030K, N734K, N862K, N902K.
Identifiers: ClinVar variation 4758651 (VCV004758651.1).

ClinVar aggregate classification (germline): Uncertain significance (1 of 4 stars; one submission).

Conditions:
Hereditary cancer-predisposing syndrome. Also called: Neoplastic Syndromes, Hereditary; Hereditary neoplastic syndrome; Tumor predisposition; Hereditary Cancer Syndrome. Identifiers: Orphanet 140162, MedGen C0027672, MeSH D009386, MONDO:0015356.

Submission:

Color Diagnostics, LLC DBA Color Health
Classification: Uncertain significance for Hereditary cancer-predisposing syndrome. Last evaluated: 2025-07-21. Review status: criteria provided, single submitter. Criteria: ACMG Guidelines, 2015. Collection method: clinical testing. Allele origin: germline.
Comment: This missense variant replaces asparagine with lysine at codon 1030 of the BRCA1 protein. Computational prediction suggests that this variant may not impact protein structure and function. To our knowledge, functional studies have not been reported for this variant. This variant has not been reported in individuals affected with BRCA1-related disorders in the literature. This variant has not been identified in the general population by the Genome Aggregation Database (gnomAD). The available evidence is insufficient to determine the role of this variant in disease conclusively. Therefore, this variant is classified as a Variant of Uncertain Significance.